The following is an entry in ClinVar:

NM_001135146.2(SLC39A8):c.1020C>G (p.Ile340Met)

Genes: SLC39A8 (solute carrier family 39 member 8; minus strand), LOC126807125 (MED14-independent group 3 enhancer GRCh37_chr4:103188587-103189786; plus strand). Cytogenetic location: 4q24.
Variant type: single nucleotide variant.
Coding change: c.1020C>G on transcript NM_001135146.2 (MANE Select); coding-DNA position 1020, C replaced by G.
Protein change: p.Ile340Met; replaces isoleucine 340 with methionine.
Molecular consequence: missense variant.
Genome position (GRCh38, 1-based): chr4:102,267,900, G>C on the plus strand (C>G on the coding strand, the complement: SLC39A8 is on the minus strand). VCF-style: chr4-102267900-G-C. GRCh37 (hg19) VCF-style: chr4-103189057-G-C.
Other names: c.1020C>G, p.Ile340Met (NM_001135147.1, NM_022154.5); c.819C>G, p.Ile273Met (NM_001135148.2); short protein forms I273M, I340M.
Identifiers: ClinVar variation 1030796 (VCV001030796.1), dbSNP rs1732174032, ClinGen allele CA357749860.
Genomic context (GRCh38, chr4:102,267,900, plus strand): 5'-CAGACTTTTACAATATGAACAGAGCTCCTTACCTAACTCGTGGGGAAACTCCTCACATAG[G>C]ATTGCTATGGAAGTACTGAGTCCCTGAAGGAGAGACAAGGTGCAGGAAGCCCCAATCGCC-3'
Protein context (NP_001128618.1, residues 330-350): LLQGLSTSIA[Ile340Met]LCEEFPHELG

ClinVar aggregate classification (germline): Uncertain significance (1 of 4 stars; one submission).

Conditions:
SLC39A8-CDG. Also called: SLC39A8 deficiency; CONGENITAL DISORDER OF GLYCOSYLATION, TYPE IIn; CDG IIn. Identifiers: Orphanet 468699, MedGen C4225234, MONDO:0014746, OMIM 616721.

Allele frequency attached by ClinVar (database versions not stated): gnomAD exomes 0.00001.
gnomAD v4.1: 3 of 1,614,118 alleles (0.00019%); highest among the groups gnomAD compares: Middle Eastern, 0.049%; no homozygotes.

Submission:

Baylor Genetics
Classification: Uncertain significance for SLC39A8-CDG. Last evaluated: 2019-12-27. Review status: criteria provided, single submitter. Criteria: ACMG Guidelines, 2015. Collection method: clinical testing. Allele origin: unknown. Affected: yes.
Comment: This variant was determined to be of uncertain significance according to ACMG Guidelines, 2015 [PMID:25741868].